The following is an entry in ClinVar:

ClinVar aggregate classification (germline): Uncertain significance. Review status: criteria provided, single submitter (1 of 4 stars). 2 submissions from 2 submitters: Uncertain significance (1). 1 of the submissions does not count toward it. Last evaluated 2018-02-13.

Conditions:
Inborn genetic diseases. Identifiers: MedGen C0950123, MeSH D030342.
KLK4-related disorder. Also called: KLK4-related condition.

Allele frequency attached by ClinVar (database versions not stated): gnomAD exomes 0.00085 and 0.00176; ExAC 0.00091; TOPMed 0.00117; ESP Exome Variant Server 0.00154.
gnomAD v4.1: 2,748 of 1,614,134 alleles (0.17%); highest among the groups gnomAD compares: Non-Finnish European, 0.22%; 3 homozygotes.

Submissions (2):

Ambry Genetics
Classification: Uncertain significance for Inborn genetic diseases. Last evaluated: 2018-02-13. Review status: criteria provided, single submitter. Criteria: Ambry exome assertion method (8-5-2015). Collection method: clinical testing. Allele origin: germline. Affected: yes. Observed: 1 variant allele.

PreventionGenetics, part of Exact Sciences
Classification: Likely benign for KLK4-related condition. Last evaluated: 2023-05-22. Review status: no assertion criteria provided. Collection method: clinical testing. Allele origin: germline. Not counted in ClinVar's aggregate classification.
Comment: This variant is classified as likely benign based on ACMG/AMP sequence variant interpretation guidelines (Richards et al. 2015 PMID: 25741868, with internal and published modifications).

NM_004917.5(KLK4):c.697G>A (p.Val233Met)

Gene: KLK4 (kallikrein related peptidase 4; minus strand). Cytogenetic location: 19q13.41.
Variant type: single nucleotide variant.
Coding change: c.697G>A on transcript NM_004917.5 (MANE Select); coding-DNA position 697, G replaced by A.
Protein change: p.Val233Met; replaces valine 233 with methionine.
Molecular consequence: missense variant. On other transcripts: non-coding transcript variant (1).
Genome position (GRCh38, 1-based): chr19:50,907,002, C>T on the plus strand (G>A on the coding strand, the complement: KLK4 is on the minus strand). VCF-style: chr19-50907002-C-T. GRCh37 (hg19) VCF-style: chr19-51410258-C-T.
Other names: c.412G>A, p.Val138Met (NM_001302961.2); c.697G>A (NM_004917.4); short protein forms V138M, V233M.
Identifiers: ClinVar variation 986162 (VCV000986162.6), dbSNP rs140350753, ClinGen allele CA9604984.